The following is an entry in ClinVar:

ClinVar aggregate classification (germline): Benign (0 of 4 stars; one submission).

Conditions:
FSIP2-related disorder. Also called: FSIP2-related condition.

Allele frequency attached by ClinVar (database versions not stated): 1000 Genomes Project 30x 0.95565; 1000 Genomes Project 0.95607; TOPMed 0.96794; ESP Exome Variant Server 0.97864; gnomAD exomes 0.99051.
gnomAD v4.1: 1,581,065 of 1,599,508 alleles (99%); highest among the groups gnomAD compares: Non-Finnish European, 100%; 781,900 homozygotes.

Submission:

PreventionGenetics, part of Exact Sciences
Classification: Benign for FSIP2-related condition. Last evaluated: 2019-10-17. Review status: no assertion criteria provided. Collection method: clinical testing. Allele origin: germline.
Comment: This variant is classified as benign based on ACMG/AMP sequence variant interpretation guidelines (Richards et al. 2015 PMID: 25741868, with internal and published modifications).

NM_173651.4(FSIP2):c.16071A>C (p.Glu5357Asp)

Gene: FSIP2 (fibrous sheath interacting protein 2; plus strand). Cytogenetic location: 2q32.1.
Variant type: single nucleotide variant.
Coding change: c.16071A>C on transcript NM_173651.4 (MANE Select); coding-DNA position 16071, A replaced by C.
Protein change: p.Glu5357Asp; replaces glutamic acid 5357 with aspartic acid.
Molecular consequence: missense variant.
Genome position (GRCh38, 1-based): chr2:185,805,377, A>C. VCF-style: chr2-185805377-A-C. GRCh37 (hg19) VCF-style: chr2-186670104-A-C.
Other names: short protein forms E5357D.
Identifiers: ClinVar variation 3060187 (VCV003060187.2), dbSNP rs7576532, ClinGen allele CA2017183.
Genomic context (GRCh38, chr2:185,805,377, plus strand): 5'-GTTTTCTTTTCCACCAATTGATAAAGAGACAGTTGATAAAATATCCAATTTTGTATATGA[A>C]CAGTTCATAGAAAAATGCACATCTCATGATATTCAAAAAGGTGATGAAAGTAACATTGCT-3'
Protein context (NP_775922.3, residues 5347-5367): TVDKISNFVY[Glu5357Asp]QFIEKCTSHD